The following is an entry in ClinVar:

ClinVar aggregate classification (germline): Likely pathogenic. Review status: criteria provided, single submitter (1 of 4 stars). 2 submissions from 2 submitters: Likely pathogenic (1). 1 of the submissions does not count toward it. Last evaluated 2026-01-19.

Conditions:
KCNMA1-related disorder. Also called: KCNMA1-related disorders; KCNMA1-related condition.
Generalized epilepsy-paroxysmal dyskinesia syndrome (PNKD3). Also called: Generalized epilepsy and paroxysmal dyskinesia; Paroxysmal nonkinesigenic dyskinesia, 3, with or without generalized epilepsy. Identifiers: Orphanet 79137, MedGen C5574945, MONDO:0012276, OMIM 609446.

Allele frequency attached by ClinVar (database versions not stated): gnomAD exomes below 0.00001; TOPMed below 0.00001.
gnomAD v4.1: 2 of 1,613,342 alleles (0.00012%); highest among the groups gnomAD compares: Non-Finnish European, 0.000085%; no homozygotes.

Submissions (2):

Labcorp Genetics (formerly Invitae), Labcorp
Classification: Likely pathogenic for Generalized epilepsy-paroxysmal dyskinesia syndrome. Last evaluated: 2026-01-19. Review status: criteria provided, single submitter. Criteria: Invitae Variant Classification Sherloc (09022015). Collection method: clinical testing. Allele origin: germline.
Comment: This sequence change affects a donor splice site in intron 18 of the KCNMA1 gene. It is expected to disrupt RNA splicing. Variants that disrupt the donor or acceptor splice site typically lead to a loss of protein function (PMID: 16199547), and loss-of-function variants in KCNMA1 are known to be pathogenic (PMID: 27567911, 29545233). This variant is not present in population databases (gnomAD no frequency). This variant has not been reported in the literature in individuals affected with KCNMA1-related conditions. ClinVar contains an entry for this variant (Variation ID: 1506973). Algorithms developed to predict the effect of sequence changes on RNA splicing suggest that this variant may disrupt the consensus splice site. In summary, the currently available evidence indicates that the variant is pathogenic, but additional data are needed to prove that conclusively. Therefore, this variant has been classified as Likely Pathogenic.

PreventionGenetics, part of Exact Sciences
Classification: Uncertain significance for KCNMA1-related condition. Last evaluated: 2024-03-26. Review status: no assertion criteria provided. Collection method: clinical testing. Allele origin: germline. Not counted in ClinVar's aggregate classification.
Comment: The KCNMA1 c.2092+1G>A variant is predicted to disrupt the GT donor site and interfere with normal splicing. To our knowledge, this variant has not been reported in the literature or in a large population database, indicating this variant is rare. This variant is predicted to alter splicing based on available splicing prediction programs (Alamut Visual Plus v1.6.1), however, variants that impact splicing of KCNMA1 have not commonly been reported in the literature. Although we suspect that this variant may be pathogenic, at this time, the clinical significance of this variant is uncertain due to the absence of conclusive functional and genetic evidence.

Literature cited by the submitters: PubMed 16199547 (cited by Labcorp Genetics (formerly Invitae), Labcorp); PubMed 27567911 (cited by Labcorp Genetics (formerly Invitae), Labcorp); PubMed 29545233 (cited by Labcorp Genetics (formerly Invitae), Labcorp).

NM_001161352.2(KCNMA1):c.2092+1G>A

Gene: KCNMA1 (potassium calcium-activated channel subfamily M alpha 1; minus strand). Cytogenetic location: 10q22.3.
Variant type: single nucleotide variant.
Coding change: c.2092+1G>A on transcript NM_001161352.2 (MANE Select); the canonical splice donor site of the intron after coding-DNA position 2092, G replaced by A.
Molecular consequence: splice donor variant.
Genome position (GRCh38, 1-based): chr10:77,011,966, C>T on the plus strand (G>A on the coding strand, the complement: KCNMA1 is on the minus strand). VCF-style: chr10-77011966-C-T. GRCh37 (hg19) VCF-style: chr10-78771724-C-T.
Other names: c.1942+1G>A (NM_001271518.2); c.2092+1G>A (NM_001322832.2, NM_001410940.1, NM_001322829.2 and 5 more transcripts); c.2104+1G>A (NM_001014797.3, NM_001322835.2, NM_001322830.2 and 1 more transcripts); c.1552+1G>A (NM_001322838.2).
Identifiers: ClinVar variation 1506973 (VCV001506973.8), dbSNP rs2090875352, ClinGen allele CA377407047.